The following is an entry in ClinVar:

ClinVar aggregate classification (germline): Uncertain significance (1 of 4 stars; one submission).

Conditions:
Inborn genetic diseases. Identifiers: MedGen C0950123, MeSH D030342.

Submission:

Ambry Genetics
Classification: Uncertain significance for Inborn genetic diseases. Last evaluated: 2026-05-03. Review status: criteria provided, single submitter. Criteria: Ambry Variant Classification Scheme 2023. Collection method: clinical testing. Allele origin: germline.
Comment: The p.E728G variant (also known as c.2183A>G), located in coding exon 13 of the ASXL1 gene, results from an A to G substitution at nucleotide position 2183. The glutamic acid at codon 728 is replaced by glycine, an amino acid with similar properties. This amino acid position is conserved. In addition, this alteration is predicted to be tolerated by in silico analysis. Based on the available evidence, the clinical significance of this variant remains unclear.

NM_015338.6(ASXL1):c.2183A>G (p.Glu728Gly)

Gene: ASXL1 (ASXL transcriptional regulator 1; plus strand). Cytogenetic location: 20q11.21.
Variant type: single nucleotide variant.
Coding change: c.2183A>G on transcript NM_015338.6 (MANE Select); coding-DNA position 2183, A replaced by G.
Protein change: p.Glu728Gly; replaces glutamic acid 728 with glycine.
Molecular consequence: missense variant.
Genome position (GRCh38, 1-based): chr20:32,434,895, A>G. VCF-style: chr20-32434895-A-G. GRCh37 (hg19) VCF-style: chr20-31022698-A-G.
Other names: c.2000A>G, p.Glu667Gly (NM_001363734.1); short protein forms E667G, E728G.
Identifiers: ClinVar variation 4864475 (VCV004864475.1).